The following is an entry in ClinVar:

NM_001103.4(ACTN2):c.598T>G (p.Tyr200Asp)

Gene: ACTN2 (actinin alpha 2; plus strand). Cytogenetic location: 1q43.
Variant type: single nucleotide variant.
Coding change: c.598T>G on transcript NM_001103.4 (MANE Select); coding-DNA position 598, T replaced by G.
Protein change: p.Tyr200Asp; replaces tyrosine 200 with aspartic acid.
Molecular consequence: missense variant. On other transcripts: non-coding transcript variant (1).
Genome position (GRCh38, 1-based): chr1:236,727,739, T>G. VCF-style: chr1-236727739-T-G. GRCh37 (hg19) VCF-style: chr1-236891039-T-G.
Other names: c.598T>G, p.Tyr200Asp (NM_001278343.2); short protein forms Y200D.
Identifiers: ClinVar variation 3758181 (VCV003758181.2).

ClinVar aggregate classification (germline): Uncertain significance (1 of 4 stars; one submission).

Conditions:
Primary familial hypertrophic cardiomyopathy (HCM). Identifiers: Orphanet 99739, MedGen C0949658, MeSH D024741, MONDO:0024573. Inheritance: Various modes of inheritance.
Dilated cardiomyopathy 1AA (CMD1AA). Also called: CARDIOMYOPATHY, DILATED, 1AA, WITH OR WITHOUT LEFT VENTRICULAR NONCOMPACTION; CARDIOMYOPATHY, FAMILIAL HYPERTROPHIC, 23, WITH OR WITHOUT LEFT VENTRICULAR NONCOMPACTION; Cardiomyopathy, dilated, 1AA, with or without LVNC. Identifiers: Orphanet 154, MedGen C2677338, MONDO:0012808, OMIM 612158.

Submission:

Labcorp Genetics (formerly Invitae), Labcorp
Classification: Uncertain significance for Primary familial hypertrophic cardiomyopathy; Dilated cardiomyopathy 1AA. Last evaluated: 2024-11-26. Review status: criteria provided, single submitter. Criteria: Invitae Variant Classification Sherloc (09022015). Collection method: clinical testing. Allele origin: germline.
Comment: This sequence change replaces tyrosine, which is neutral and polar, with aspartic acid, which is acidic and polar, at codon 200 of the ACTN2 protein (p.Tyr200Asp). This variant is not present in population databases (gnomAD no frequency). This variant has not been reported in the literature in individuals affected with ACTN2-related conditions. Invitae Evidence Modeling of protein sequence and biophysical properties (such as structural, functional, and spatial information, amino acid conservation, physicochemical variation, residue mobility, and thermodynamic stability) indicates that this missense variant is expected to disrupt ACTN2 protein function with a positive predictive value of 80%. In summary, the available evidence is currently insufficient to determine the role of this variant in disease. Therefore, it has been classified as a Variant of Uncertain Significance.